The following is an entry in ClinVar:

ClinVar aggregate classification (germline): Pathogenic. Review status: criteria provided, multiple submitters, no conflicts (2 of 4 stars). 4 submissions from 4 submitters: Pathogenic (2). 2 of the submissions do not count toward it. Last evaluated 2024-11-30.

Conditions:
Cardiovascular phenotype. Identifiers: MedGen CN230736.
Alstrom syndrome (ALMS). Identifiers: Orphanet 64, MedGen C0268425, MONDO:0008763, OMIM 203800.

Submissions (4):

Labcorp Genetics (formerly Invitae), Labcorp
Classification: Pathogenic for Alstrom syndrome. Last evaluated: 2024-11-30. Review status: criteria provided, single submitter. Criteria: Invitae Variant Classification Sherloc (09022015). Collection method: clinical testing. Allele origin: germline.
Comment: This sequence change creates a premature translational stop signal (p.Val2301Trpfs*43) in the ALMS1 gene. It is expected to result in an absent or disrupted protein product. Loss-of-function variants in ALMS1 are known to be pathogenic (PMID: 17594715). This variant is not present in population databases (gnomAD no frequency). This premature translational stop signal has been observed in individual(s) with ALMS1-related conditions (PMID: 28432734). ClinVar contains an entry for this variant (Variation ID: 553908). For these reasons, this variant has been classified as Pathogenic.

Ambry Genetics
Classification: Pathogenic for Cardiovascular phenotype. Last evaluated: 2023-11-16. Review status: criteria provided, single submitter. Criteria: Ambry Variant Classification Scheme 2023. Collection method: clinical testing. Allele origin: germline.
Comment: The c.6901delG pathogenic mutation, located in coding exon 8 of the ALMS1 gene, results from a deletion of one nucleotide at nucleotide position 6901, causing a translational frameshift with a predicted alternate stop codon (p.V2301Wfs*43). This alteration has been reported as a compound heterozygote in a subject with features of Alstrom syndrome (Astuti D et al. Hum Mutat, 2017 Jul;38:764-777). This variant is considered to be rare based on population cohorts in the Genome Aggregation Database (gnomAD). In addition to the clinical data presented in the literature, this alteration is expected to result in loss of function by premature protein truncation or nonsense-mediated mRNA decay. As such, this alteration is interpreted as a disease-causing mutation.

Natera, Inc.
Classification: Pathogenic for Alstrom syndrome. Last evaluated: 2021-08-10. Review status: no assertion criteria provided. Collection method: clinical testing. Allele origin: germline. Not counted in ClinVar's aggregate classification.

Counsyl
Classification: Likely pathogenic for Alstrom syndrome. Last evaluated: 2017-09-19. Review status: no assertion criteria provided. Collection method: clinical testing. Allele origin: unknown. Not counted in ClinVar's aggregate classification.

Literature cited by the submitters: PubMed 17594715 (cited by Labcorp Genetics (formerly Invitae), Labcorp); PubMed 28432734 (cited by Labcorp Genetics (formerly Invitae), Labcorp and Ambry Genetics); PubMed 26104972 (cited by Counsyl); PubMed 25846608 (cited by Counsyl).

NM_001378454.1(ALMS1):c.6898del (p.Val2300fs)

Gene: ALMS1 (ALMS1 centrosome and basal body associated protein; plus strand). Cytogenetic location: 2p13.1.
Variant type: Deletion.
Coding change: c.6898del on transcript NM_001378454.1 (MANE Select); coding-DNA position 6898, one base deleted (G; older notation c.6898delG).
Protein change: p.Val2300fs; shifts the reading frame from valine 2300.
Molecular consequence: frameshift variant.
Genome position (GRCh38, 1-based): chr2:73,453,425, G deleted; the last of 2 consecutive G bases (chr2:73,453,424-73,453,425); deleting either gives the same sequence. VCF-style (leftmost placement, unchanged base first): chr2-73453423-AG-A. GRCh37 (hg19) VCF-style: chr2-73680550-AG-A.
Other names: c.6901delG (NM_015120.4); c.6901del, p.Val2301fs (NM_015120.4); short protein forms V2301fs, V2300fs.
Identifiers: ClinVar variation 553908 (VCV000553908.15), dbSNP rs1553404358, ClinGen allele CA658822894.